The following is an entry in ClinVar:

ClinVar aggregate classification (germline): Likely benign. Review status: criteria provided, single submitter (1 of 4 stars). 2 submissions from 2 submitters: Likely benign (1). 1 of the submissions does not count toward it. Last evaluated 2025-07-02.

Conditions:
F12-related disorder. Also called: F12-related disorders; F12-related condition. Identifiers: MedGen CN239389.

Allele frequency attached by ClinVar (database versions not stated): gnomAD exomes 0.00006; ExAC 0.00020; 1000 Genomes Project 0.00040; 1000 Genomes Project 30x 0.00047; gnomAD 0.00057; TOPMed 0.00064; ESP Exome Variant Server 0.00077.
gnomAD v4.1: 173 of 1,600,944 alleles (0.011%); highest among the groups gnomAD compares: African/African-American, 0.21%; 1 homozygote.

Submissions (2):

Labcorp Genetics (formerly Invitae), Labcorp
Classification: Likely benign. Last evaluated: 2025-07-02. Review status: criteria provided, single submitter. Criteria: Invitae Variant Classification Sherloc (09022015). Collection method: clinical testing. Allele origin: germline.

PreventionGenetics, part of Exact Sciences
Classification: Likely benign for F12-related condition. Last evaluated: 2022-04-26. Review status: no assertion criteria provided. Collection method: clinical testing. Allele origin: germline. Not counted in ClinVar's aggregate classification.
Comment: This variant is classified as likely benign based on ACMG/AMP sequence variant interpretation guidelines (Richards et al. 2015 PMID: 25741868, with internal and published modifications).

NM_000505.4(F12):c.922T>A (p.Ser308Thr)

Gene: F12 (coagulation factor XII; minus strand). Cytogenetic location: 5q35.3.
Variant type: single nucleotide variant.
Coding change: c.922T>A on transcript NM_000505.4 (MANE Select); coding-DNA position 922, T replaced by A.
Protein change: p.Ser308Thr; replaces serine 308 with threonine.
Molecular consequence: missense variant.
Genome position (GRCh38, 1-based): chr5:177,404,292, A>T on the plus strand (T>A on the coding strand, the complement: F12 is on the minus strand). VCF-style: chr5-177404292-A-T. GRCh37 (hg19) VCF-style: chr5-176831293-A-T.
Other names: short protein forms S308T.
Identifiers: ClinVar variation 2723904 (VCV002723904.5), dbSNP rs78187030, ClinGen allele CA3581346.